The following is an entry in ClinVar:

ClinVar aggregate classification (germline): Likely benign (1 of 4 stars; one submission).

Conditions:
KANK2-related disorder. Also called: KANK2-related condition.

gnomAD v4.1: 32 of 1,612,264 alleles (0.002%); highest among the groups gnomAD compares: South Asian, 0.023%; 1 homozygote.

Submission:

PreventionGenetics, part of Exact Sciences
Classification: Likely benign for KANK2-related condition. Last evaluated: 2025-06-10. Review status: criteria provided, single submitter. Criteria: ACMG Guidelines, 2015. Collection method: clinical testing. Allele origin: germline.
Comment: This variant is classified as likely benign based on ACMG/AMP sequence variant interpretation guidelines (Richards et al. 2015 PMID: 25741868, with internal and published modifications).

NM_001136191.3(KANK2):c.351C>T (p.Arg117=)

Gene: KANK2 (KN motif and ankyrin repeat domains 2; minus strand). Cytogenetic location: 19p13.2.
Variant type: single nucleotide variant.
Coding change: c.351C>T on transcript NM_001136191.3 (MANE Select); coding-DNA position 351, C replaced by T.
Protein change: p.Arg117=; no amino-acid change (arginine 117 retained).
Molecular consequence: synonymous variant.
Genome position (GRCh38, 1-based): chr19:11,193,729, G>A on the plus strand (C>T on the coding strand, the complement: KANK2 is on the minus strand). VCF-style: chr19-11193729-G-A. GRCh37 (hg19) VCF-style: chr19-11304405-G-A.
Other names: c.351C>T, p.Arg117= (NM_001329451.2, NM_001379548.1, NM_001379549.1 and 15 more transcripts).
Identifiers: ClinVar variation 4981025 (VCV004981025.1).